The following is an entry in ClinVar:

NM_001349338.3(FOXP1):c.181-17970A>G

Gene: FOXP1 (forkhead box P1; minus strand). Cytogenetic location: 3p13.
Variant type: single nucleotide variant.
Coding change: c.181-17970A>G on transcript NM_001349338.3 (MANE Select); 17970 bases into the intron before coding-DNA position 181, A replaced by G.
Molecular consequence: intron variant.
Genome position (GRCh38, 1-based): chr3:71,130,607, T>C on the plus strand (A>G on the coding strand, the complement: FOXP1 is on the minus strand). VCF-style: chr3-71130607-T-C. GRCh37 (hg19) VCF-style: chr3-71179758-T-C.
Other names: c.181-17970A>G (NM_001244810.2, NM_032682.6, NM_001349340.3 and 5 more transcripts); c.-121+1484A>G (NM_001349343.3, NM_001349342.3); short protein forms H26R.
Identifiers: ClinVar variation 3033991 (VCV003033991.2), dbSNP rs367710336, ClinGen allele CA2491341.
Genomic context (GRCh38, chr3:71,130,607, plus strand): 5'-ATTTCCGTCTTCTTGCTGTAGATGGGTTCTGGCTGTTTCTGCGAAGCGGGGGTTGCCGAG[T>C]GGTAAAAAAGATGTTTGAATAAACAGGAAGTACTGTGCGGCTGAAGCACACTCGAAGAGA-3'

ClinVar aggregate classification (germline): Benign (0 of 4 stars; one submission).

Conditions:
FOXP1-related disorder. Also called: FOXP1-related condition.

Allele frequency attached by ClinVar (database versions not stated): 1000 Genomes Project 30x 0.00172; TOPMed 0.00220; gnomAD exomes 0.00021; ExAC 0.00057; ESP Exome Variant Server 0.00174; gnomAD 0.00164; 1000 Genomes Project 0.00180.
gnomAD v4.1: 569 of 1,598,204 alleles (0.036%); highest among the groups gnomAD compares: African/African-American, 0.68%; no homozygotes.

Submission:

PreventionGenetics, part of Exact Sciences
Classification: Benign for FOXP1-related condition. Last evaluated: 2020-01-13. Review status: no assertion criteria provided. Collection method: clinical testing. Allele origin: germline.
Comment: This variant is classified as benign based on ACMG/AMP sequence variant interpretation guidelines (Richards et al. 2015 PMID: 25741868, with internal and published modifications).